The following is an entry in ClinVar:

ClinVar aggregate classification (germline): Uncertain significance (1 of 4 stars; one submission).

Allele frequency attached by ClinVar (database versions not stated): TOPMed 0.00004; gnomAD 0.00009; ExAC 0.00021; 1000 Genomes Project 30x 0.00031; 1000 Genomes Project 0.00040.
gnomAD v4.1: 171 of 1,612,758 alleles (0.011%); highest among the groups gnomAD compares: South Asian, 0.13%; no homozygotes.

Submission:

Labcorp Genetics (formerly Invitae), Labcorp
Classification: Uncertain significance. Last evaluated: 2022-12-25. Review status: criteria provided, single submitter. Criteria: Invitae Variant Classification Sherloc (09022015). Collection method: clinical testing. Allele origin: germline.
Comment: This sequence change replaces proline, which is neutral and non-polar, with leucine, which is neutral and non-polar, at codon 111 of the LIPC protein (p.Pro111Leu). This variant is present in population databases (rs562988299, gnomAD 0.1%), and has an allele count higher than expected for a pathogenic variant. This variant has not been reported in the literature in individuals affected with LIPC-related conditions. Algorithms developed to predict the effect of missense changes on protein structure and function output the following: SIFT: "Tolerated"; PolyPhen-2: "Benign"; Align-GVGD: "Class C0". The leucine amino acid residue is found in multiple mammalian species, which suggests that this missense change does not adversely affect protein function. In summary, the available evidence is currently insufficient to determine the role of this variant in disease. Therefore, it has been classified as a Variant of Uncertain Significance.

NM_000236.3(LIPC):c.332C>T (p.Pro111Leu)

Gene: LIPC (lipase C, hepatic type; plus strand). Cytogenetic location: 15q21.3.
Variant type: single nucleotide variant.
Coding change: c.332C>T on transcript NM_000236.3 (MANE Select); coding-DNA position 332, C replaced by T.
Protein change: p.Pro111Leu; replaces proline 111 with leucine.
Molecular consequence: missense variant.
Genome position (GRCh38, 1-based): chr15:58,541,843, C>T. VCF-style: chr15-58541843-C-T. GRCh37 (hg19) VCF-style: chr15-58834042-C-T.
Other names: short protein forms P111L.
Identifiers: ClinVar variation 2883975 (VCV002883975.3), dbSNP rs562988299, ClinGen allele CA7584810.